The following is an entry in ClinVar:

NM_000053.4(ATP7B):c.547G>A (p.Ala183Thr)

Gene: ATP7B (ATPase copper transporting beta; minus strand). Cytogenetic location: 13q14.3.
Variant type: single nucleotide variant.
Coding change: c.547G>A on transcript NM_000053.4 (MANE Select); coding-DNA position 547, G replaced by A.
Protein change: p.Ala183Thr; replaces alanine 183 with threonine.
Molecular consequence: missense variant.
Genome position (GRCh38, 1-based): chr13:51,974,673, C>T on the plus strand (G>A on the coding strand, the complement: ATP7B is on the minus strand). VCF-style: chr13-51974673-C-T. GRCh37 (hg19) VCF-style: chr13-52548809-C-T.
Other names: c.547G>A, p.Ala183Thr (NM_001406520.1, NM_001406521.1, NM_001406522.1 and 30 more transcripts); c.451G>A, p.Ala151Thr (NM_001406543.1, NM_001406544.1, NM_001406517.1 and 4 more transcripts); short protein forms A151T, A183T.
Identifiers: ClinVar variation 3072253 (VCV003072253.1), dbSNP rs766345326, ClinGen allele CA6989541.

ClinVar aggregate classification (germline): Uncertain significance (1 of 4 stars; one submission).

Conditions:
Wilson disease (WND). Also called: Wilson's disease. Identifiers: Orphanet 905, MedGen C0019202, MONDO:0010200, OMIM 277900. Disease mechanism: loss of function.

gnomAD v4.1: 4 of 1,611,082 alleles (0.00025%); highest among the groups gnomAD compares: Admixed American, 0.0033%; no homozygotes.

Submission:

All of Us Research Program, National Institutes of Health
Classification: Uncertain significance for Wilson disease. Last evaluated: 2023-11-30. Review status: criteria provided, single submitter. Criteria: ACMG Guidelines, 2015. Collection method: clinical testing. Allele origin: germline. Inheritance: Autosomal recessive inheritance. Observed: 3 variant alleles, 3 heterozygotes.
Comment: This missense variant replaces alanine with threonine at codon 183 of the ATP7B protein. Computational prediction suggests that this variant may have deleterious impact on protein structure and function (internally defined REVEL score threshold >= 0.7, PMID: 27666373). To our knowledge, functional studies have not been reported for this variant. This variant has not been reported in individuals affected with ATP7B-related disorders in the literature. This variant has been identified in 1/249088 chromosomes in the general population by the Genome Aggregation Database (gnomAD). The available evidence is insufficient to determine the role of this variant in disease conclusively. Therefore, this variant is classified as a Variant of Uncertain Significance.

This study involves interpretation of variants in research participants for the purpose of population health screening. Participant phenotype was not available at the time of variant classification. Additional details can be found in publication PMID: 35346344, PMCID: PMC8962531